The following is an entry in ClinVar:

NM_001142800.2(EYS):c.8691_8692del (p.Ser2898fs)

Genes: EYS (EGF-like photoreceptor maintenance factor; minus strand), PHF3 (PHD finger protein 3; plus strand). Cytogenetic location: 6q12.
Variant type: Deletion.
Coding change: c.8691_8692del on transcript NM_001142800.2 (MANE Select); coding-DNA positions 8691 to 8692, 2 bases deleted (TT; older notation c.8691_8692delTT).
Protein change: p.Ser2898fs; shifts the reading frame from serine 2898.
Molecular consequence: frameshift variant. On other transcripts: 3 prime UTR variant (5).
Genome position (GRCh38, 1-based): chr6:63,721,339-63,721,340, AA deleted on the plus strand (TT on the coding strand, the reverse complement: EYS is on the minus strand); deleting any 2 consecutive bases within chr6:63,721,339-63,721,343 gives the same sequence; the c. name uses the placement nearest the transcript's 3' end. VCF-style (leftmost placement, unchanged base first): chr6-63721338-GAA-G. GRCh37 (hg19) VCF-style: chr6-64431234-GAA-G.
Other names: c.*7634_*7635del (NM_001290259.2, NM_001370348.2, NM_001370349.2 and 2 more transcripts); c.8754_8755del, p.Ser2919fs (NM_001292009.2); short protein forms S2898fs, S2919fs.
Identifiers: ClinVar variation 2765726 (VCV002765726.3), dbSNP rs2149624828, ClinGen allele CA2697553507.
Genomic context (GRCh38, chr6:63,721,338, plus strand): 5'-TTCAAACAGGACACAGACTGGTTACATGTATTTCCAGCCCAATCTGGCAAACATCTGCAA[GAA>G]AAAGTTGTGCCATTTACTGTACATTCACCTCCATTTCTGCATGTGTTGTACCCACAGGCT-3'

ClinVar aggregate classification (germline): Pathogenic (1 of 4 stars; one submission).

Submission:

Labcorp Genetics (formerly Invitae), Labcorp
Classification: Pathogenic. Last evaluated: 2025-03-17. Review status: criteria provided, single submitter. Criteria: Invitae Variant Classification Sherloc (09022015). Collection method: clinical testing. Allele origin: germline.
Comment: This sequence change creates a premature translational stop signal (p.Ser2898Leufs*13) in the EYS gene. While this is not anticipated to result in nonsense mediated decay, it is expected to disrupt the last 247 amino acid(s) of the EYS protein. This variant is not present in population databases (gnomAD no frequency). This variant has not been reported in the literature in individuals affected with EYS-related conditions. ClinVar contains an entry for this variant (Variation ID: 2765726). This variant disrupts a region of the EYS protein in which other variant(s) (p.Tyr3135*) have been determined to be pathogenic (PMID: 18976725, 30337596). This suggests that this is a clinically significant region of the protein, and that variants that disrupt it are likely to be disease-causing. For these reasons, this variant has been classified as Pathogenic.

Literature cited by the submitters: PubMed 18976725; PubMed 30337596.